The following is an entry in ClinVar:

ClinVar aggregate classification (germline): Conflicting classifications of pathogenicity. Review status: criteria provided, conflicting classifications (1 of 4 stars). 3 submissions from 3 submitters: Uncertain significance (2); Likely benign (1). Last evaluated 2025-02-16.

Conditions:
Hereditary breast ovarian cancer syndrome. Also called: Breast and ovarian cancer; Hereditary breast and ovarian cancer; Hereditary breast and ovarian cancer syndrome; Hereditary breast and/or ovarian cancer syndrome; BRCA1- and BRCA2-Associated Hereditary Breast and Ovarian Cancer; Hereditary breast and ovarian cancer syndrome (HBOC). Identifiers: Orphanet 145, MedGen C0677776, MeSH D061325, MONDO:0003582. Disease mechanism: loss of function.
Breast-ovarian cancer, familial, susceptibility to, 1 (BROVCA1). Also called: BRCA1 Hereditary Breast and Ovarian Cancer; OVARIAN CANCER, SUSCEPTIBILITY TO. Identifiers: Orphanet 145, MedGen C2676676, MONDO:0011450, OMIM 604370. Disease mechanism: loss of function.
Hereditary cancer-predisposing syndrome. Also called: Tumor predisposition; Hereditary Cancer Syndrome; Neoplastic Syndromes, Hereditary; Hereditary neoplastic syndrome. Identifiers: Orphanet 140162, MedGen C0027672, MeSH D009386, MONDO:0015356.

Allele frequency attached by ClinVar (database versions not stated): gnomAD exomes below 0.00001; TOPMed below 0.00001; ExAC 0.00001; gnomAD 0.00001.
gnomAD v4.1: 1 of 1,613,856 alleles (0.000062%); highest among the groups gnomAD compares: Non-Finnish European, 0.000085%; no homozygotes.

Submissions (4):

Labcorp Genetics (formerly Invitae), Labcorp
Classification: Uncertain significance for Hereditary breast ovarian cancer syndrome. Last evaluated: 2025-02-16. Review status: criteria provided, single submitter. Criteria: Invitae Variant Classification Sherloc (09022015). Collection method: clinical testing. Allele origin: germline.
Comment: This sequence change replaces glutamic acid, which is acidic and polar, with aspartic acid, which is acidic and polar, at codon 85 of the BRCA1 protein (p.Glu85Asp). This variant is present in population databases (rs756499058, gnomAD 0.0009%). This variant has not been reported in the literature in individuals affected with BRCA1-related conditions. ClinVar contains an entry for this variant (Variation ID: 230500). Invitae Evidence Modeling incorporating data from in vitro experimental studies (PMID: 30209399) indicates that this missense variant is not expected to disrupt BRCA1 function with a negative predictive value of 95%. Experimental studies have shown that this missense change does not substantially affect BRCA1 function (PMID: 30209399). In summary, the available evidence is currently insufficient to determine the role of this variant in disease. Therefore, it has been classified as a Variant of Uncertain Significance.

Ambry Genetics
Classification: Likely benign for Hereditary cancer-predisposing syndrome. Last evaluated: 2021-08-05. Review status: criteria provided, single submitter. Criteria: Ambry Variant Classification Scheme 2023. Collection method: clinical testing. Allele origin: germline.

Color Diagnostics, LLC DBA Color Health
Classification: Uncertain significance for Hereditary cancer-predisposing syndrome. Last evaluated: 2019-02-01. Review status: criteria provided, single submitter. Criteria: ACMG Guidelines, 2015. Collection method: clinical testing. Allele origin: germline.

Brotman Baty Institute, University of Washington
No classification provided (evidence only). Condition: Breast-ovarian cancer, familial 1. Review status: no classification provided. Collection method: in vitro. Allele origin: not applicable. Functional consequence: functionally_normal. Not counted in ClinVar's aggregate classification.
ClinVar note: "not provided" was previously submitted as the classification for the variant. However, the classification appeared to be based only on an observation of functional data so it was converted to no classification on 2025-07-30.

Literature cited by the submitters: PubMed 30209399 (cited by Labcorp Genetics (formerly Invitae), Labcorp and Ambry Genetics); PubMed 26689913 (cited by Ambry Genetics); PubMed 27297669 (cited by Ambry Genetics); PubMed 29684080 (cited by Ambry Genetics).

NM_007294.4(BRCA1):c.255G>T (p.Glu85Asp)

Gene: BRCA1 (BRCA1 DNA repair associated; minus strand). Cytogenetic location: 17q21.31.
Variant type: single nucleotide variant.
Coding change: c.255G>T on transcript NM_007294.4 (MANE Select); coding-DNA position 255, G replaced by T.
Protein change: p.Glu85Asp; replaces glutamic acid 85 with aspartic acid.
Molecular consequence: missense variant. On other transcripts: non-coding transcript variant (1).
Genome position (GRCh38, 1-based): chr17:43,104,914, C>A on the plus strand (G>T on the coding strand, the complement: BRCA1 is on the minus strand). VCF-style: chr17-43104914-C-A. GRCh37 (hg19) VCF-style: chr17-41256931-C-A.
Other names: c.45G>T, p.Glu15Asp (NM_001407571.1, NM_001408502.1, NM_001408506.1 and 58 more transcripts); c.255G>T, p.Glu85Asp (NM_001407581.1, NM_001407582.1, NM_001407583.1 and 168 more transcripts); c.177G>T, p.Glu59Asp (NM_001407653.1, NM_001407654.1, NM_001407655.1 and 21 more transcripts); c.114G>T, p.Glu38Asp (NM_001407692.1, NM_001407694.1, NM_001407695.1 and 99 more transcripts); c.-127G>T (NM_001408510.1, NM_001408512.1, NM_001407959.1 and 4 more transcripts); c.123G>T, p.Glu41Asp (NM_001408451.1); short protein forms E85D, E38D, E59D, E15D, E41D.
Identifiers: ClinVar variation 230500 (VCV000230500.22), dbSNP rs756499058, ClinGen allele CA055485.